The following is an entry in ClinVar:

ClinVar aggregate classification (germline): Uncertain significance (0 of 4 stars; one submission).

Conditions:
TTN-related disorder. Also called: TTN-related condition; TTN-related disease; TTN-related disorders.

Submission:

PreventionGenetics, part of Exact Sciences
Classification: Uncertain significance for TTN-related condition. Last evaluated: 2024-02-27. Review status: no assertion criteria provided. Collection method: clinical testing. Allele origin: germline.
Comment: The TTN c.20219G>T variant is predicted to result in the amino acid substitution p.Cys6740Phe. To our knowledge, this variant has not been reported in the literature or in a large population database, indicating this variant is rare. At this time, the clinical significance of this variant is uncertain due to the absence of conclusive functional and genetic evidence.

NM_001267550.2(TTN):c.20219G>T (p.Cys6740Phe)

Genes: TTN (titin; minus strand), LOC126806429 (BRD4-independent group 4 enhancer GRCh37_chr2:179591393-179592592; plus strand). Cytogenetic location: 2q31.2.
Variant type: single nucleotide variant.
Coding change: c.20219G>T on transcript NM_001267550.2 (MANE Select); coding-DNA position 20219, G replaced by T.
Protein change: p.Cys6740Phe; replaces cysteine 6740 with phenylalanine.
Molecular consequence: missense variant. On other transcripts: intron variant (3).
Genome position (GRCh38, 1-based): chr2:178,727,146, C>A on the plus strand (G>T on the coding strand, the complement: TTN is on the minus strand). VCF-style: chr2-178727146-C-A. GRCh37 (hg19) VCF-style: chr2-179591873-C-A.
Other names: c.19268G>T, p.Cys6423Phe (NM_001256850.1); c.16487G>T, p.Cys5496Phe (NM_133378.4); c.13282+10936G>T (NM_003319.4); c.13858+10936G>T (NM_133437.4); c.13657+10936G>T (NM_133432.3); short protein forms C5496F, C6423F, C6740F.
Identifiers: ClinVar variation 3061281 (VCV003061281.2), dbSNP rs1414995502, ClinGen allele CA349548525.
Genomic context (GRCh38, chr2:178,727,146, plus strand): 5'-CTACCTTTTACTATAACCTTGGTACTGCAGCTTGTGCTGCCAGCGGGATTCTGAGCCTCA[C>A]AAATGAAATCTCCACTGTCCTCAGTACTGAGATTGTTCATCTGTATGACGGCCACTGAGT-3'
Protein context (NP_001254479.2, residues 6730-6750): LSTEDSGDFI[Cys6740Phe]EAQNPAGSTS